The following is an entry in ClinVar:

NM_003140.3(SRY):c.472C>T (p.Gln158Ter)

Gene: SRY (sex determining region Y; minus strand). Cytogenetic location: Yp11.2.
Variant type: single nucleotide variant.
Coding change: c.472C>T on transcript NM_003140.3 (MANE Select); coding-DNA position 472, C replaced by T.
Protein change: p.Gln158Ter; replaces glutamine 158 with a stop codon.
Molecular consequence: nonsense.
Genome position (GRCh38, 1-based): chrY:2,787,132, G>A on the plus strand (C>T on the coding strand, the complement: SRY is on the minus strand). VCF-style: chrY-2787132-G-A. GRCh37 (hg19) VCF-style: chrY-2655173-G-A.
Other names: short protein forms Q158*.
Identifiers: ClinVar variation 2699642 (VCV002699642.3), dbSNP rs2124485718, ClinGen allele CA414940935.
Genomic context (GRCh38, chrY:2,787,132, plus strand): 5'-GCTCCATTCTTGAGTGTGTGGCTTTCGTACAGTCATCCCTGTACAACCTGTTGTCCAGTT[G>A]CACTTCGCTGCAGAGTACCGAAGCGGGATCTGCGGGAAGCAAACTGCAATTCTTCGGCAG-3'

ClinVar aggregate classification (germline): Uncertain significance (1 of 4 stars; one submission).

Conditions:
46,XY sex reversal 1. Also called: SRY-related 46,XY complete gonadal dysgenesis; 46,XY SEX REVERSAL, SRY-RELATED. Identifiers: Orphanet 242, MedGen C2748896, MONDO:0020712, OMIM 400044.

Submission:

Labcorp Genetics (formerly Invitae), Labcorp
Classification: Uncertain significance for 46,XY sex reversal 1. Last evaluated: 2023-11-28. Review status: criteria provided, single submitter. Criteria: Invitae Variant Classification Sherloc (09022015). Collection method: clinical testing. Allele origin: germline.
Comment: This sequence change creates a premature translational stop signal (p.Gln158*) in the SRY gene. While this is not anticipated to result in nonsense mediated decay, it is expected to disrupt the last 47 amino acid(s) of the SRY protein. The frequency data for this variant in the population databases is considered unreliable, as metrics indicate insufficient coverage at this position in the gnomAD database. This variant has not been reported in the literature in individuals affected with SRY-related conditions. This variant disrupts the C-terminus of the SRY protein. Other variant(s) that disrupt this region (p.Gln158Hisfs*2, p.Leu163*) have been observed in individuals with SRY-related conditions (PMID: 7981695, 12919143). This suggests that this may be a clinically significant region of the protein. In summary, the available evidence is currently insufficient to determine the role of this variant in disease. Therefore, it has been classified as a Variant of Uncertain Significance.

Literature cited by the submitters: PubMed 7981695; PubMed 12919143.